The following is an entry in ClinVar:

ClinVar aggregate classification (germline): Uncertain significance. Review status: criteria provided, multiple submitters, no conflicts (2 of 4 stars). 2 submissions from 2 submitters: Uncertain significance (2). Last evaluated 2025-08-22.

Conditions:
Inborn genetic diseases. Identifiers: MedGen C0950123, MeSH D030342.

Allele frequency attached by ClinVar (database versions not stated): TOPMed below 0.00001; gnomAD exomes 0.00001.
gnomAD v4.1: 15 of 1,613,930 alleles (0.00093%); highest among the groups gnomAD compares: Non-Finnish European, 0.0012%; no homozygotes.

Submissions (2):

Ambry Genetics
Classification: Uncertain significance for Inborn genetic diseases. Last evaluated: 2025-08-22. Review status: criteria provided, single submitter. Criteria: Ambry Variant Classification Scheme 2023. Collection method: clinical testing. Allele origin: germline.

GeneDx
Classification: Uncertain significance. Last evaluated: 2022-07-26. Review status: criteria provided, single submitter. Criteria: GeneDx Variant Classification Process June 2021. Collection method: clinical testing. Allele origin: germline. Affected: yes.
Comment: Not observed at significant frequency in large population cohorts (gnomAD); In silico analysis supports that this missense variant does not alter protein structure/function; Has not been previously published as pathogenic or benign to our knowledge

NM_001170629.2(CHD8):c.3020A>G (p.Lys1007Arg)

Gene: CHD8 (chromodomain helicase DNA binding protein 8; minus strand). Cytogenetic location: 14q11.2.
Variant type: single nucleotide variant.
Coding change: c.3020A>G on transcript NM_001170629.2 (MANE Select); coding-DNA position 3020, A replaced by G.
Protein change: p.Lys1007Arg; replaces lysine 1007 with arginine.
Molecular consequence: missense variant.
Genome position (GRCh38, 1-based): chr14:21,405,752, T>C on the plus strand (A>G on the coding strand, the complement: CHD8 is on the minus strand). VCF-style: chr14-21405752-T-C. GRCh37 (hg19) VCF-style: chr14-21873911-T-C.
Other names: c.2183A>G, p.Lys728Arg (NM_020920.4); short protein forms K1007R, K728R.
Identifiers: ClinVar variation 2413004 (VCV002413004.4), dbSNP rs1352659411, ClinGen allele CA388903253.